The following is an entry in ClinVar:

NM_001365999.1(SZT2):c.6587T>C (p.Met2196Thr)

Gene: SZT2 (SZT2 subunit of KICSTOR complex; plus strand). Cytogenetic location: 1p34.2.
Variant type: single nucleotide variant.
Coding change: c.6587T>C on transcript NM_001365999.1 (MANE Select); coding-DNA position 6587, T replaced by C.
Protein change: p.Met2196Thr; replaces methionine 2196 with threonine.
Molecular consequence: missense variant.
Genome position (GRCh38, 1-based): chr1:43,438,777, T>C. VCF-style: chr1-43438777-T-C. GRCh37 (hg19) VCF-style: chr1-43904448-T-C.
Other names: c.6416T>C, p.Met2139Thr (NM_015284.4); short protein forms M2139T, M2196T.
Identifiers: ClinVar variation 657333 (VCV000657333.10), dbSNP rs758720895, ClinGen allele CA809950.

ClinVar aggregate classification (germline): Uncertain significance (1 of 4 stars; one submission).

Allele frequency attached by ClinVar (database versions not stated): gnomAD exomes below 0.00001; ExAC 0.00001; gnomAD 0.00001; TOPMed 0.00002.
gnomAD v4.1: 4 of 1,613,986 alleles (0.00025%); highest among the groups gnomAD compares: Non-Finnish European, 0.00025%; no homozygotes.

Submission:

Labcorp Genetics (formerly Invitae), Labcorp
Classification: Uncertain significance. Last evaluated: 2019-01-11. Review status: criteria provided, single submitter. Criteria: Invitae Variant Classification Sherloc (09022015). Collection method: clinical testing. Allele origin: germline.
Comment: Algorithms developed to predict the effect of missense changes on protein structure and function are either unavailable or do not agree on the potential impact of this missense change (SIFT: "Tolerated"; PolyPhen-2: "Probably Damaging"; Align-GVGD: "Class C0"). In summary, the available evidence is currently insufficient to determine the role of this variant in disease. Therefore, it has been classified as a Variant of Uncertain Significance. This variant has not been reported in the literature in individuals with SZT2-related disease. This sequence change replaces methionine with threonine at codon 2139 of the SZT2 protein (p.Met2139Thr). The methionine residue is highly conserved and there is a moderate physicochemical difference between methionine and threonine. This variant is present in population databases (rs758720895, ExAC 0.01%).